The following is an entry in ClinVar:

ClinVar aggregate classification (germline): Pathogenic (1 of 4 stars; one submission).

Conditions:
Inborn genetic diseases. Identifiers: MedGen C0950123, MeSH D030342.

gnomAD v4.1: 1 of 1,591,896 alleles (0.000063%); highest among the groups gnomAD compares: Non-Finnish European, 0.000085%; no homozygotes.

Submission:

Ambry Genetics
Classification: Pathogenic for Inborn genetic diseases. Last evaluated: 2022-11-14. Review status: criteria provided, single submitter. Criteria: Ambry Variant Classification Scheme 2023. Collection method: clinical testing. Allele origin: germline.
Comment: The c.540T>A (p.C180*) alteration, located in exon 7 (coding exon 7) of the PPA2 gene, consists of a T to A substitution at nucleotide position 540. This changes the amino acid from a cysteine (C) to a stop codon at amino acid position 180. This alteration is expected to result in loss of function by premature protein truncation or nonsense-mediated mRNA decay. This variant was not reported in population-based cohorts in the Genome Aggregation Database (gnomAD). Based on the available evidence, this alteration is classified as pathogenic.

NM_176869.3(PPA2):c.540T>A (p.Cys180Ter)

Gene: PPA2 (inorganic pyrophosphatase 2; minus strand). Cytogenetic location: 4q24.
Variant type: single nucleotide variant.
Coding change: c.540T>A on transcript NM_176869.3 (MANE Select); coding-DNA position 540, T replaced by A.
Protein change: p.Cys180Ter; replaces cysteine 180 with a stop codon.
Molecular consequence: nonsense. On other transcripts: intron variant (1).
Genome position (GRCh38, 1-based): chr4:105,424,311, A>T on the plus strand (T>A on the coding strand, the complement: PPA2 is on the minus strand). VCF-style: chr4-105424311-A-T. GRCh37 (hg19) VCF-style: chr4-106345468-A-T.
Other names: c.453T>A, p.Cys151Ter (NM_006903.4); c.234T>A, p.Cys78Ter (NM_176866.2); c.158-25147T>A (NM_176867.3); short protein forms C151*, C180*, C78*.
Identifiers: ClinVar variation 2314983 (VCV002314983.2), dbSNP rs2477134410, ClinGen allele CA357795620.